The following is an entry in ClinVar:

ClinVar aggregate classification (germline): Uncertain significance (1 of 4 stars; one submission).

Conditions:
Autosomal recessive limb-girdle muscular dystrophy type 2L (LGMDR12). Also called: Limb-girdle muscular dystrophy, type 2L; MUSCULAR DYSTROPHY, LIMB-GIRDLE, AUTOSOMAL RECESSIVE 12; Limb-Girdle Muscular Dystrophy R12 Anoctamin-5-Related (LGMD-R12). Identifiers: Orphanet 206549, MedGen C1969785, MONDO:0012652, OMIM 611307.
Gnathodiaphyseal dysplasia (GDD). Also called: GNATHODIAPHYSEAL SCLEROSIS; OSTEOGENESIS IMPERFECTA WITH UNUSUAL SKELETAL LESIONS. Identifiers: Orphanet 53697, MedGen C1833736, MONDO:0008151, OMIM 166260.

Submission:

Labcorp Genetics (formerly Invitae), Labcorp
Classification: Uncertain significance for Autosomal recessive limb-girdle muscular dystrophy type 2L; Gnathodiaphyseal dysplasia. Last evaluated: 2021-04-23. Review status: criteria provided, single submitter. Criteria: Invitae Variant Classification Sherloc (09022015). Collection method: clinical testing. Allele origin: germline.
Comment: This sequence change replaces lysine with isoleucine at codon 847 of the ANO5 protein (p.Lys847Ile). The lysine residue is highly conserved and there is a moderate physicochemical difference between lysine and isoleucine. In summary, the available evidence is currently insufficient to determine the role of this variant in disease. Therefore, it has been classified as a Variant of Uncertain Significance. Advanced modeling of protein sequence and biophysical properties (such as structural, functional, and spatial information, amino acid conservation, physicochemical variation, residue mobility, and thermodynamic stability) performed at Invitae indicates that this missense variant is expected to disrupt ANO5 protein function. This variant has not been reported in the literature in individuals with ANO5-related conditions. This variant is not present in population databases (ExAC no frequency).

NM_213599.3(ANO5):c.2540A>T (p.Lys847Ile)

Gene: ANO5 (anoctamin 5; plus strand). Cytogenetic location: 11p14.3.
Variant type: single nucleotide variant.
Coding change: c.2540A>T on transcript NM_213599.3 (MANE Select); coding-DNA position 2540, A replaced by T.
Protein change: p.Lys847Ile; replaces lysine 847 with isoleucine.
Molecular consequence: missense variant.
Genome position (GRCh38, 1-based): chr11:22,279,563, A>T. VCF-style: chr11-22279563-A-T. GRCh37 (hg19) VCF-style: chr11-22301109-A-T.
Other names: c.2537A>T, p.Lys846Ile (NM_001142649.2); short protein forms K847I, K846I.
Identifiers: ClinVar variation 1348004 (VCV001348004.8), dbSNP rs375940033, ClinGen allele CA379924882.